The following is an entry in ClinVar:

ClinVar aggregate classification (germline): Conflicting classifications of pathogenicity. Review status: criteria provided, conflicting classifications (1 of 4 stars). 9 submissions from 9 submitters: Uncertain significance (1); Benign (2); Likely benign (3). 3 of the submissions do not count toward it. Last evaluated 2026-09-01.

Conditions:
EPG5-related disorder. Also called: EPG5-related condition. Identifiers: MedGen CN381528.
Inborn genetic diseases. Identifiers: MedGen C0950123, MeSH D030342.
Vici syndrome (VICIS). Identifiers: Orphanet 1493, MedGen C1855772, MONDO:0009452, OMIM 242840.

Allele frequency attached by ClinVar (database versions not stated): 1000 Genomes Project 0.00220; 1000 Genomes Project 30x 0.00234; TOPMed 0.00329; gnomAD 0.00401 and 0.00405; gnomAD exomes 0.00433 and 0.00545; ExAC 0.00452; ESP Exome Variant Server 0.00517.
gnomAD v4.1: 8,546 of 1,614,114 alleles (0.53%); highest among the groups gnomAD compares: Non-Finnish European, 0.62%; 33 homozygotes.

Submissions (9):

CeGaT Center for Human Genetics Tuebingen
Classification: Likely benign. Last evaluated: 2026-09-01. Review status: criteria provided, single submitter. Criteria: CeGaT Center For Human Genetics Tuebingen Variant Classification Criteria Version 2. Collection method: clinical testing. Allele origin: germline. Affected: yes. Observed: 26 variant alleles.
Comment: EPG5: BP4, BS2

Labcorp Genetics (formerly Invitae), Labcorp
Classification: Benign for Vici syndrome. Last evaluated: 2026-02-01. Review status: criteria provided, single submitter. Criteria: Invitae Variant Classification Sherloc (09022015). Collection method: clinical testing. Allele origin: germline.

Blueprint Genetics
Classification: Likely benign. Last evaluated: 2024-11-26. Review status: criteria provided, single submitter. Criteria: ACMG Guidelines, 2015. Collection method: clinical testing. Allele origin: germline.

GeneDx
Classification: Benign. Last evaluated: 2020-10-02. Review status: criteria provided, single submitter. Criteria: GeneDx Variant Classification Process June 2021. Collection method: clinical testing. Allele origin: germline. Affected: yes.

Center for Pediatric Genomic Medicine, Children's Mercy Hospital and Clinics
Classification: Likely benign. Last evaluated: 2016-11-30. Review status: criteria provided, single submitter. Criteria: ACMG Guidelines, 2015. Collection method: clinical testing. Allele origin: germline.
ClinVar note: Converted during submission from Likely Benign to Likely benign.

Ambry Genetics
Classification: Uncertain significance for Inborn genetic diseases. Last evaluated: 2013-07-18. Review status: criteria provided, single submitter. Criteria: Ambry Autosomal Dominant and X-Linked criteria (10/2015). Collection method: clinical testing. Allele origin: germline. Observed: 1 variant allele.
Comment: There is insufficient or conflicting evidence for classification of this alteration.

PreventionGenetics, part of Exact Sciences
Classification: Benign for EPG5-related condition. Last evaluated: 2024-01-28. Review status: no assertion criteria provided. Collection method: clinical testing. Allele origin: germline. Not counted in ClinVar's aggregate classification.
Comment: This variant is classified as benign based on ACMG/AMP sequence variant interpretation guidelines (Richards et al. 2015 PMID: 25741868, with internal and published modifications).

Clinical Genetics DNA and cytogenetics Diagnostics Lab, Erasmus MC, Erasmus Medical Center
Classification: Likely benign. Review status: no assertion criteria provided. Collection method: clinical testing. Allele origin: germline. Affected: yes. Study: VKGL Data-share Consensus. Not counted in ClinVar's aggregate classification.

Laboratory of Diagnostic Genome Analysis, Leiden University Medical Center (LUMC)
Classification: Benign. Review status: no assertion criteria provided. Collection method: clinical testing. Allele origin: germline. Affected: yes. Study: VKGL Data-share Consensus. Not counted in ClinVar's aggregate classification.

NM_020964.3(EPG5):c.4039A>C (p.Asn1347His)

Gene: EPG5 (ectopic P-granules 5 autophagy tethering factor; minus strand). Cytogenetic location: 18q21.1.
Variant type: single nucleotide variant.
Coding change: c.4039A>C on transcript NM_020964.3 (MANE Select); coding-DNA position 4039, A replaced by C.
Protein change: p.Asn1347His; replaces asparagine 1347 with histidine.
Molecular consequence: missense variant.
Genome position (GRCh38, 1-based): chr18:45,910,687, T>G on the plus strand (A>C on the coding strand, the complement: EPG5 is on the minus strand). VCF-style: chr18-45910687-T-G. GRCh37 (hg19) VCF-style: chr18-43490652-T-G.
Other names: c.4039A>C, p.Asn1347His (LRG_1234t1); short protein forms N1347H.
Identifiers: ClinVar variation 225029 (VCV000225029.62), dbSNP rs144860976, ClinGen allele CA358108.